The following is an entry in ClinVar:

NM_000236.3(LIPC):c.671_672delinsTG (p.Thr224Met)

Gene: LIPC (lipase C, hepatic type; plus strand). Cytogenetic location: 15q21.3.
Variant type: Indel.
Coding change: c.671_672delinsTG on transcript NM_000236.3 (MANE Select); coding-DNA positions 671 to 672, CC replaced by TG.
Protein change: p.Thr224Met; replaces threonine 224 with methionine.
Molecular consequence: missense variant.
Genome position (GRCh38, 1-based): chr15:58,545,838-58,545,839, CC replaced by TG. VCF-style: chr15-58545838-CC-TG. GRCh37 (hg19) VCF-style: chr15-58838037-CC-TG.
Other names: short protein forms T224M.
Identifiers: ClinVar variation 1367899 (VCV001367899.6), dbSNP rs2140921919, ClinGen allele CA2573151017.

ClinVar aggregate classification (germline): Uncertain significance (1 of 4 stars; one submission).

Submission:

Labcorp Genetics (formerly Invitae), Labcorp
Classification: Uncertain significance. Last evaluated: 2025-01-11. Review status: criteria provided, single submitter. Criteria: Invitae Variant Classification Sherloc (09022015). Collection method: clinical testing. Allele origin: germline.
Comment: This sequence change replaces threonine, which is neutral and polar, with methionine, which is neutral and non-polar, at codon 224 of the LIPC protein (p.Thr224Met). This variant is present in population databases (no rsID available, gnomAD 0.0007%). This variant has not been reported in the literature in individuals affected with LIPC-related conditions. ClinVar contains an entry for this variant (Variation ID: 1367899). An algorithm developed to predict the effect of missense changes on protein structure and function (PolyPhen-2) suggests that this variant is likely to be disruptive. In summary, the available evidence is currently insufficient to determine the role of this variant in disease. Therefore, it has been classified as a Variant of Uncertain Significance.